The following is an entry in ClinVar:

NM_006996.3(SLC19A2):c.1063A>C (p.Lys355Gln)

Gene: SLC19A2 (solute carrier family 19 member 2; minus strand). Cytogenetic location: 1q24.2.
Variant type: single nucleotide variant.
Coding change: c.1063A>C on transcript NM_006996.3 (MANE Select); coding-DNA position 1063, A replaced by C.
Protein change: p.Lys355Gln; replaces lysine 355 with glutamine.
Molecular consequence: missense variant.
Genome position (GRCh38, 1-based): chr1:169,468,804, T>G on the plus strand (A>C on the coding strand, the complement: SLC19A2 is on the minus strand). VCF-style: chr1-169468804-T-G. GRCh37 (hg19) VCF-style: chr1-169438042-T-G.
Other names: c.460A>C, p.Lys154Gln (NM_001319667.1); short protein forms K154Q, K355Q.
Identifiers: ClinVar variation 1344960 (VCV001344960.8), dbSNP rs200879349, ClinGen allele CA1232928.
Genomic context (GRCh38, chr1:169,468,804, plus strand): 5'-CAGCAATCAGGAGAGAAAAGAGAGATAATGTCATTTCTCCCCAAGTTGACCAGGATATTT[T>G]TATATAACCAACTGCAAACACAGCAACAGCACCTACAGAACAAACAAAAAAAATCCAATT-3'
Protein context (NP_008927.1, residues 345-365): AVAVFAVGYI[Lys355Gln]ISWSTWGEMT

ClinVar aggregate classification (germline): Conflicting classifications of pathogenicity. Review status: criteria provided, conflicting classifications (1 of 4 stars). 3 submissions from 3 submitters: Likely pathogenic (1); Uncertain significance (2). Last evaluated 2026-08-13.

Allele frequency attached by ClinVar (database versions not stated): ExAC 0.00004; gnomAD exomes 0.00004 and 0.00005; TOPMed 0.00005; gnomAD 0.00006 and 0.00007.
gnomAD v4.1: 62 of 1,613,792 alleles (0.0038%); highest among the groups gnomAD compares: Middle Eastern, 0.033%; no homozygotes.

Submissions (3):

GeneDx
Classification: Likely pathogenic. Last evaluated: 2026-08-13. Review status: criteria provided, single submitter. Criteria: GeneDx Variant Classification Process June 2021. Collection method: clinical testing. Allele origin: germline.
Comment: Identified as a heterozygous finding in individuals from a single family with diabetes (PMID: 30833467); Reported in a patient with a clinical diagnosis of blindness, but it is unknown if a second SLC19A2 variant was identified (PMID: 32483926); Published functional studies found this variant is associated with mis-localization and reduced thiamine uptake (PMID: 30833467); In silico analysis supports that this missense variant has a deleterious effect on protein structure/function; Not observed at significant frequency in large population cohorts (gnomAD); This variant is associated with the following publications: (PMID: 34426522, 35686496, 40603556, 30833467, 32483926)

Blueprint Genetics
Classification: Uncertain significance. Last evaluated: 2024-09-10. Review status: criteria provided, single submitter. Criteria: ACMG Guidelines, 2015. Collection method: clinical testing. Allele origin: germline.

Labcorp Genetics (formerly Invitae), Labcorp
Classification: Uncertain significance. Last evaluated: 2022-05-26. Review status: criteria provided, single submitter. Criteria: Invitae Variant Classification Sherloc (09022015). Collection method: clinical testing. Allele origin: germline.
Comment: This sequence change replaces lysine, which is basic and polar, with glutamine, which is neutral and polar, at codon 355 of the SLC19A2 protein (p.Lys355Gln). This variant is present in population databases (rs200879349, gnomAD 0.009%). This missense change has been observed in individual(s) with clinical features of diabetes (PMID: 30833467). Algorithms developed to predict the effect of missense changes on protein structure and function are either unavailable or do not agree on the potential impact of this missense change (SIFT: "Tolerated"; PolyPhen-2: "Probably Damaging"; Align-GVGD: "Class C0"). Experimental studies have shown that this missense change affects SLC19A2 function (PMID: 30833467). In summary, the available evidence is currently insufficient to determine the role of this variant in disease. Therefore, it has been classified as a Variant of Uncertain Significance.

Literature cited by the submitters: PubMed 30833467 (cited by Labcorp Genetics (formerly Invitae), Labcorp).